The following is an entry in ClinVar:

NM_032485.6(MCM8):c.1735dup (p.Met579fs)

Gene: MCM8 (minichromosome maintenance 8 homologous recombination repair factor; plus strand). Cytogenetic location: 20p12.3.
Variant type: Duplication.
Coding change: c.1735dup on transcript NM_032485.6 (MANE Select); coding-DNA position 1735, one base duplicated (A; older notation c.1735dupA).
Protein change: p.Met579fs; shifts the reading frame from methionine 579.
Molecular consequence: frameshift variant.
Genome position (GRCh38, 1-based): chr20:5,983,165, A duplicated; the last of 3 consecutive A bases (chr20:5,983,163-5,983,165); duplicating any one gives the same sequence. VCF-style (leftmost placement, unchanged base first): chr20-5983162-T-TA. GRCh37 (hg19) VCF-style: chr20-5963808-T-TA.
Other names: c.1735dup, p.Met579fs (NM_001281520.2); c.1855dup, p.Met619fs (NM_001281521.2); c.1594dup, p.Met532fs (NM_001281522.2); c.1687dup, p.Met563fs (NM_182802.3); short protein forms M532fs, M563fs, M579fs, M619fs.
Identifiers: ClinVar variation 2068205 (VCV002068205.1), dbSNP rs756233245, ClinGen allele CA9756891.

ClinVar aggregate classification (germline): Pathogenic (1 of 4 stars; one submission).

Submission:

Labcorp Genetics (formerly Invitae), Labcorp
Classification: Pathogenic. Last evaluated: 2022-06-27. Review status: criteria provided, single submitter. Criteria: Invitae Variant Classification Sherloc (09022015). Collection method: clinical testing. Allele origin: germline.
Comment: This sequence change creates a premature translational stop signal (p.Met579Asnfs*10) in the MCM8 gene. It is expected to result in an absent or disrupted protein product. Loss-of-function variants in MCM8 are known to be pathogenic (PMID: 22771120, 25873734, 31042289). This variant is present in population databases (rs756233245, gnomAD 0.002%). This variant has not been reported in the literature in individuals affected with MCM8-related conditions. Algorithms developed to predict the effect of sequence changes on RNA splicing suggest that this variant may create or strengthen a splice site. For these reasons, this variant has been classified as Pathogenic.

Literature cited by the submitters: PubMed 22771120; PubMed 25873734; PubMed 31042289.